The following is an entry in ClinVar:

ClinVar aggregate classification (germline): Conflicting classifications of pathogenicity. Review status: criteria provided, conflicting classifications (1 of 4 stars). 3 submissions from 3 submitters: Uncertain significance (2); Likely benign (1). Last evaluated 2025-05-28.

Conditions:
Inborn genetic diseases. Identifiers: MedGen C0950123, MeSH D030342.
Spastic paraplegia. Identifiers: MedGen C0037772, HP:0001258.

Allele frequency attached by ClinVar (database versions not stated): gnomAD 0.00004; TOPMed 0.00006; gnomAD exomes 0.00003 and 0.00002; ExAC 0.00003.
gnomAD v4.1: 46 of 1,613,978 alleles (0.0029%); highest among the groups gnomAD compares: African/African-American, 0.012%; no homozygotes.

Submissions (3):

Mayo Clinic Laboratories, Mayo Clinic
Classification: Uncertain significance. Last evaluated: 2025-05-28. Review status: criteria provided, single submitter. Criteria: ACMG Guidelines, 2015. Collection method: clinical testing. Allele origin: germline. Observed: 1 variant allele.
Comment: BP4_strong

Labcorp Genetics (formerly Invitae), Labcorp
Classification: Uncertain significance for Spastic paraplegia. Last evaluated: 2021-09-01. Review status: criteria provided, single submitter. Criteria: Invitae Variant Classification Sherloc (09022015). Collection method: clinical testing. Allele origin: germline.
Comment: This sequence change replaces arginine with glutamine at codon 743 of the GBA2 protein (p.Arg743Gln). The arginine residue is weakly conserved and there is a small physicochemical difference between arginine and glutamine. This variant is present in population databases (rs201520272, ExAC 0.02%). This variant has not been reported in the literature in individuals affected with GBA2-related conditions. Algorithms developed to predict the effect of missense changes on protein structure and function output the following: SIFT: "Tolerated"; PolyPhen-2: "Benign"; Align-GVGD: "Class C0". The glutamine amino acid residue is found in multiple mammalian species, which suggests that this missense change does not adversely affect protein function. In summary, the available evidence is currently insufficient to determine the role of this variant in disease. Therefore, it has been classified as a Variant of Uncertain Significance.

Ambry Genetics
Classification: Likely benign for Inborn genetic diseases. Last evaluated: 2021-08-10. Review status: criteria provided, single submitter. Criteria: Ambry Variant Classification Scheme 2023. Collection method: clinical testing. Allele origin: germline.

NM_020944.3(GBA2):c.2228G>A (p.Arg743Gln)

Gene: GBA2 (glucosylceramidase beta 2; minus strand). Cytogenetic location: 9p13.3.
Variant type: single nucleotide variant.
Coding change: c.2228G>A on transcript NM_020944.3 (MANE Select); coding-DNA position 2228, G replaced by A.
Protein change: p.Arg743Gln; replaces arginine 743 with glutamine.
Molecular consequence: missense variant.
Genome position (GRCh38, 1-based): chr9:35,738,122, C>T on the plus strand (G>A on the coding strand, the complement: GBA2 is on the minus strand). VCF-style: chr9-35738122-C-T. GRCh37 (hg19) VCF-style: chr9-35738119-C-T.
Other names: p.Arg743Gln; c.2228G>A, p.Arg743Gln (NM_001330660.2); short protein forms R743Q.
Identifiers: ClinVar variation 642848 (VCV000642848.4), dbSNP rs201520272, ClinGen allele CA5050157.